The following is an entry in ClinVar:

ClinVar aggregate classification (germline): Uncertain significance. Review status: criteria provided, multiple submitters, no conflicts (2 of 4 stars). 2 submissions from 2 submitters: Uncertain significance (2). Last evaluated 2025-07-18.

Conditions:
Hereditary cancer-predisposing syndrome. Also called: Neoplastic Syndromes, Hereditary; Tumor predisposition; Hereditary neoplastic syndrome; Hereditary Cancer Syndrome. Identifiers: Orphanet 140162, MedGen C0027672, MeSH D009386, MONDO:0015356.
Retinoblastoma (RB1). Also called: RETINOBLASTOMA, SOMATIC. Identifiers: Orphanet 790, MedGen C0035335, MeSH D012175, MONDO:0008380, OMIM 180200, HP:0009919. Disease mechanism: loss of function. Inheritance: Both sporadic and heritable forms are tested..

Allele frequency attached by ClinVar (database versions not stated): ExAC 0.00001.

Submissions (2):

Ambry Genetics
Classification: Uncertain significance for Hereditary cancer-predisposing syndrome. Last evaluated: 2025-07-18. Review status: criteria provided, single submitter. Criteria: Ambry Variant Classification Scheme 2023. Collection method: clinical testing. Allele origin: germline.
Comment: The p.V654A variant (also known as c.1961T>C) is located in coding exon 20 of the RB1 gene. The valine at codon 654 is replaced by alanine, an amino acid with similar properties. This change occurs in the first base pair of coding exon 20. This amino acid position is well conserved in available vertebrate species. In addition, this alteration is predicted to be deleterious by in silico analysis. Based on the available evidence, the clinical significance of this variant remains unclear.

Labcorp Genetics (formerly Invitae), Labcorp
Classification: Uncertain significance for Retinoblastoma. Last evaluated: 2022-07-19. Review status: criteria provided, single submitter. Criteria: Invitae Variant Classification Sherloc (09022015). Collection method: clinical testing. Allele origin: germline.
Comment: This variant is present in population databases (rs769113950, gnomAD 0.01%). In summary, the available evidence is currently insufficient to determine the role of this variant in disease. Therefore, it has been classified as a Variant of Uncertain Significance. Algorithms developed to predict the effect of missense changes on protein structure and function (SIFT, PolyPhen-2, Align-GVGD) all suggest that this variant is likely to be disruptive. ClinVar contains an entry for this variant (Variation ID: 579914). This variant has not been reported in the literature in individuals affected with RB1-related conditions. This sequence change replaces valine, which is neutral and non-polar, with alanine, which is neutral and non-polar, at codon 654 of the RB1 protein (p.Val654Ala).

NM_000321.3(RB1):c.1961T>C (p.Val654Ala)

Gene: RB1 (RB transcriptional corepressor 1; plus strand). Cytogenetic location: 13q14.2.
Variant type: single nucleotide variant.
Coding change: c.1961T>C on transcript NM_000321.3 (MANE Select); coding-DNA position 1961, T replaced by C.
Protein change: p.Val654Ala; replaces valine 654 with alanine.
Molecular consequence: missense variant.
Genome position (GRCh38, 1-based): chr13:48,459,688, T>C. VCF-style: chr13-48459688-T-C. GRCh37 (hg19) VCF-style: chr13-49033824-T-C.
Other names: short protein forms V654A.
Identifiers: ClinVar variation 579914 (VCV000579914.15), dbSNP rs769113950, ClinGen allele CA033353.